The following is an entry in ClinVar:

ClinVar aggregate classification (germline): Benign/Likely benign. Review status: criteria provided, multiple submitters, no conflicts (2 of 4 stars). 3 submissions from 3 submitters: Benign (1); Likely benign (2). Last evaluated 2025-10-13.

Conditions:
Familial cancer of breast. Also called: BREAST CANCER, FAMILIAL; hereditary breast carcinoma; Hereditary breast cancer. Identifiers: Orphanet 227535, MedGen C0346153, MONDO:0016419, OMIM 114480. Disease mechanism: loss of function.
Hereditary cancer-predisposing syndrome. Also called: Neoplastic Syndromes, Hereditary; Hereditary Cancer Syndrome; Tumor predisposition; Hereditary neoplastic syndrome. Identifiers: Orphanet 140162, MedGen C0027672, MeSH D009386, MONDO:0015356.

Allele frequency attached by ClinVar (database versions not stated): gnomAD exomes below 0.00001.
gnomAD v4.1: 2 of 1,614,030 alleles (0.00012%); highest among the groups gnomAD compares: East Asian, 0.0022%; no homozygotes.

Submissions (3):

Labcorp Genetics (formerly Invitae), Labcorp
Classification: Likely benign for Familial cancer of breast. Last evaluated: 2025-10-13. Review status: criteria provided, single submitter. Criteria: Invitae Variant Classification Sherloc (09022015). Collection method: clinical testing. Allele origin: germline.

Myriad Genetics, Inc.
Classification: Benign for Familial cancer of breast. Last evaluated: 2024-07-24. Review status: criteria provided, single submitter. Criteria: Myriad Autosomal Dominant, Autosomal Recessive and X-Linked Classification Criteria (2023). Collection method: clinical testing. Allele origin: unknown.
Comment: This variant is considered benign. This variant is a silent/synonymous amino acid change and it is not expected to impact splicing.

Ambry Genetics
Classification: Likely benign for Hereditary cancer-predisposing syndrome. Last evaluated: 2020-01-04. Review status: criteria provided, single submitter. Criteria: Ambry Variant Classification Scheme 2023. Collection method: clinical testing. Allele origin: germline.

NM_000465.4(BARD1):c.1215G>A (p.Arg405=)

Gene: BARD1 (BRCA1 associated RING domain 1; minus strand). Cytogenetic location: 2q35.
Variant type: single nucleotide variant.
Coding change: c.1215G>A on transcript NM_000465.4 (MANE Select); coding-DNA position 1215, G replaced by A.
Protein change: p.Arg405=; no amino-acid change (arginine 405 retained).
Molecular consequence: synonymous variant. On other transcripts: non-coding transcript variant (2), intron variant (3).
Genome position (GRCh38, 1-based): chr2:214,780,659, C>T on the plus strand (G>A on the coding strand, the complement: BARD1 is on the minus strand). VCF-style: chr2-214780659-C-T. GRCh37 (hg19) VCF-style: chr2-215645383-C-T.
Other names: c.1158G>A, p.Arg386= (NM_001282543.2); c.159-28104G>A (NM_001282548.2); c.215+16402G>A (NM_001282545.2); c.364+11638G>A (NM_001282549.2).
Identifiers: ClinVar variation 743865 (VCV000743865.14), dbSNP rs1180710928, ClinGen allele CA431391446.